The following is an entry in ClinVar:

NM_000518.5(HBB):c.15T>A (p.Thr5=)

Genes: HBB (hemoglobin subunit beta; minus strand), LOC106099062 (HBB recombination region; plus strand), LOC107133510 (origin of replication at HBB; plus strand). Cytogenetic location: 11p15.4.
Variant type: single nucleotide variant.
Coding change: c.15T>A on transcript NM_000518.5 (MANE Select); coding-DNA position 15, T replaced by A.
Protein change: p.Thr5=; no amino-acid change (threonine 5 retained).
Molecular consequence: synonymous variant.
Genome position (GRCh38, 1-based): chr11:5,227,007, A>T on the plus strand (T>A on the coding strand, the complement: HBB is on the minus strand). VCF-style: chr11-5227007-A-T. GRCh37 (hg19) VCF-style: chr11-5248237-A-T.
Identifiers: ClinVar variation 3572117 (VCV003572117.1).
Genomic context (GRCh38, chr11:5,227,007, plus strand): 5'-ACCAACTTCATCCACGTTCACCTTGCCCCACAGGGCAGTAACGGCAGACTTCTCCTCAGG[A>T]GTCAGATGCACCATGGTGTCTGTTTGAGGTTGCTAGTGAACACAGTTGTGTCAGAAGCAA-3'
Protein context (NP_000509.1, residues 1-15): MVHL[Thr5=]PEEKSAVTAL

ClinVar aggregate classification (germline): Uncertain significance (1 of 4 stars; one submission).

Submission:

Quest Diagnostics Nichols Institute San Juan Capistrano
Classification: Uncertain significance. Last evaluated: 2024-08-16. Review status: criteria provided, single submitter. Criteria: Quest Diagnostics criteria. Collection method: clinical testing. Allele origin: unknown.
Comment: The HBB c.15T>A (p.Thr5=) synonymous variant (also known as CD 4 (ACT>ACA)) has been reported in the published literature in individuals affected with beta thalassemia that also carry other HBB variants including HBB c.16C>T (p.Pro6Ser) and HBB c.19G>T (p.Glu7*) (PMID: 9371533 (1997), 11074564 (2000)). This variant has not been reported in large, multi-ethnic general populations (Genome Aggregation Database). Analysis of this variant using software algorithms for the prediction of the effect of nucleotide changes on splicing yielded predictions that this variant does not affect HBB mRNA splicing. Based on the available information, we are unable to determine the clinical significance of this variant.

Literature cited by the submitters: PubMed 11074564; PubMed 17994378; PubMed 19254853; PubMed 9371533; PubMed 27263053.